The following is an entry in ClinVar:

NM_053025.4(MYLK):c.1786G>A (p.Ala596Thr)

Gene: MYLK (myosin light chain kinase; minus strand). Cytogenetic location: 3q21.1.
Variant type: single nucleotide variant.
Coding change: c.1786G>A on transcript NM_053025.4 (MANE Select); coding-DNA position 1786, G replaced by A.
Protein change: p.Ala596Thr; replaces alanine 596 with threonine.
Molecular consequence: missense variant.
Genome position (GRCh38, 1-based): chr3:123,722,146, C>T on the plus strand (G>A on the coding strand, the complement: MYLK is on the minus strand). VCF-style: chr3-123722146-C-T. GRCh37 (hg19) VCF-style: chr3-123440993-C-T.
Other names: c.1258G>A, p.Ala420Thr (NM_001321309.2); c.1579G>A, p.Ala527Thr (NM_053026.4, NM_053028.4); c.1786G>A, p.Ala596Thr (NM_053027.4); short protein forms A596T, A527T, A420T.
Identifiers: ClinVar variation 471704 (VCV000471704.23), dbSNP rs758715543, ClinGen allele CA067491.

ClinVar aggregate classification (germline): Conflicting classifications of pathogenicity. Review status: criteria provided, conflicting classifications (1 of 4 stars). 9 submissions from 9 submitters: Uncertain significance (6); Likely benign (1). 2 of the submissions do not count toward it. Last evaluated 2024-11-05.

Conditions:
Familial thoracic aortic aneurysm and aortic dissection (TAAD). Also called: Thoracic aortic aneurysms and dissections. Identifiers: Orphanet 91387, MedGen C4707243, MONDO:0019625.
Aortic aneurysm, familial thoracic 7 (AAT7). Also called: AORTIC DISSECTION, FAMILIAL, WITH OR WITHOUT AORTIC ANEURYSM. Identifiers: MedGen C3151077, MONDO:0013418, OMIM 613780.

Allele frequency attached by ClinVar (database versions not stated): gnomAD exomes 0.00001 and 0.00002; TOPMed 0.00002; ExAC 0.00004; gnomAD 0.00007.
gnomAD v4.1: 28 of 1,566,144 alleles (0.0018%); highest among the groups gnomAD compares: Admixed American, 0.024%; no homozygotes.

Submissions (9):

Blueprint Genetics
Classification: Likely benign. Last evaluated: 2024-11-05. Review status: criteria provided, single submitter. Criteria: ACMG Guidelines, 2015. Collection method: clinical testing. Allele origin: germline.

Labcorp Genetics (formerly Invitae), Labcorp
Classification: Uncertain significance for Aortic aneurysm, familial thoracic 7. Last evaluated: 2024-10-12. Review status: criteria provided, single submitter. Criteria: Invitae Variant Classification Sherloc (09022015). Collection method: clinical testing. Allele origin: germline.
Comment: This sequence change replaces alanine, which is neutral and non-polar, with threonine, which is neutral and polar, at codon 596 of the MYLK protein (p.Ala596Thr). The frequency data for this variant in the population databases is considered unreliable, as metrics indicate poor data quality at this position in the gnomAD database. This missense change has been observed in individuals with aortic dissection and/or dilatation (internal data). ClinVar contains an entry for this variant (Variation ID: 471704). Invitae Evidence Modeling of protein sequence and biophysical properties (such as structural, functional, and spatial information, amino acid conservation, physicochemical variation, residue mobility, and thermodynamic stability) has been performed for this missense variant. However, the output from this modeling did not meet the statistical confidence thresholds required to predict the impact of this variant on MYLK protein function. In summary, the available evidence is currently insufficient to determine the role of this variant in disease. Therefore, it has been classified as a Variant of Uncertain Significance.

ARUP Laboratories, Molecular Genetics and Genomics, ARUP Laboratories
Classification: Uncertain significance. Last evaluated: 2024-04-22. Review status: criteria provided, single submitter. Criteria: ARUP Molecular Germline Variant Investigation Process 2024. Collection method: clinical testing. Allele origin: germline.
Comment: The MYLK c.1786G>A; p.Ala596Thr variant (rs758715543), to our knowledge, is not reported in the medical literature but is reported in ClinVar (Variation ID: 471704). This variant is only observed on three alleles in the Genome Aggregation Database, indicating it is not a common polymorphism. The alanine at codon 596 is weakly conserved, and computational analyses are uncertain whether this variant is neutral or deleterious (REVEL: 0.462). Due to limited information, the clinical significance of the p.Ala596Thr variant is uncertain at this time.

GeneDx
Classification: Uncertain significance. Last evaluated: 2024-02-02. Review status: criteria provided, single submitter. Criteria: GeneDx Variant Classification Process June 2021. Collection method: clinical testing. Allele origin: germline. Affected: yes.
Comment: In silico analysis supports that this missense variant does not alter protein structure/function; Not observed at significant frequency in large population cohorts (gnomAD); Has not been previously published as pathogenic or benign to our knowledge

CHEO Genetics Diagnostic Laboratory, Children's Hospital of Eastern Ontario
Classification: Uncertain significance for Familial thoracic aortic aneurysm and aortic dissection. Last evaluated: 2021-06-11. Review status: criteria provided, single submitter. Criteria: ACMG Guidelines, 2015. Collection method: clinical testing. Allele origin: germline.

Victorian Clinical Genetics Services, Murdoch Childrens Research Institute
Classification: Uncertain significance for Aortic aneurysm, familial thoracic 7. Last evaluated: 2021-05-06. Review status: criteria provided, single submitter. Criteria: ACMG Guidelines, 2015. Collection method: clinical testing. Allele origin: germline. Affected: yes.
Comment: Based on the classification scheme VCGS_Germline_v1.3.3, this variant is classified as VUS-3B. Following criteria are met: 0102 - Loss of function is a known mechanism of disease in this gene and is associated with familial thoracic aortic aneurysm, 7 (MIM#613780). (I) 0108 - This gene is associated with both recessive and dominant disease. This gene is associated with autosomal dominant familial thoracic aortic aneurysm, 7 (MIM#613780) although homozygous carriers with more early-onset severe disease have also been reported, and autosomal recessive megacystis-microcolon-intestinal hypoperistalsis syndrome (MIM#249210) (PMID: 29544503; OMIM). (I) 0112 - The condition associated with this gene has incomplete penetrance (PMID: 29544503; OMIM). (I) 0115 - Variants in this gene are known to have variable expressivity (PMID: 29544503). (I) 0200 - Variant is predicted to result in a missense amino acid change from alanine to threonine. (I) 0219 - This variant is non-coding in an alternative transcript. This variant is non-coding in the NM_053031.4 and NM_053032.4 transcripts. Although these transcripts are more widely expressed than our chosen transcript, the variant is located in an exon (exon 13) which has increased expression in the aorta, our tissue of interest, compared to other tissues (UCSC, GTEx). (I) 0251 - This variant is heterozygous. (I) 0302 - Variant is present in gnomAD (v3) <0.001 for a dominant condition (10 heterozygotes, 0 homozygotes). (SP) 0502 - Missense variant with conflicting in silico predictions and uninformative conservation. (I) 0600 - Variant is located in the annotated Ig-like C2-type 4 domain (UniProt). (I) 0705 - No comparable missense variants have previous evidence for pathogenicity. (I) 0809 - Previous evidence of pathogenicity for this variant is inconclusive. This variant has been classified as a VUS in Clinvar. (I) 0905 - No published segregation evidence has been identified for this variant. (I) 1007 - No published functional evidence has been identified for this variant. (I) 1208 - Inheritance information for this variant is not currently available in this individual. (I) Legend: (SP) - Supporting pathogenic, (I) - Information, (SB) - Supporting benign

Ambry Genetics
Classification: Uncertain significance for Familial thoracic aortic aneurysm and aortic dissection. Last evaluated: 2020-12-07. Review status: criteria provided, single submitter. Criteria: Ambry Variant Classification Scheme 2023. Collection method: clinical testing. Allele origin: germline.
Comment: The p.A596T variant (also known as c.1786G>A), located in coding exon 10 of the MYLK gene, results from a G to A substitution at nucleotide position 1786. The alanine at codon 596 is replaced by threonine, an amino acid with some similar properties. This amino acid position is highly conserved in available vertebrate species. In addition, the in silico prediction for this alteration is inconclusive. Since supporting evidence is limited at this time, the clinical significance of this alteration remains unclear.

Clinical Genetics DNA and cytogenetics Diagnostics Lab, Erasmus MC, Erasmus Medical Center
Classification: Uncertain significance. Review status: no assertion criteria provided. Collection method: clinical testing. Allele origin: germline. Affected: yes. Study: VKGL Data-share Consensus. Not counted in ClinVar's aggregate classification.

Diagnostic Laboratory, Department of Genetics, University Medical Center Groningen
Classification: Uncertain significance. Review status: no assertion criteria provided. Collection method: clinical testing. Allele origin: germline. Affected: yes. Study: VKGL Data-share Consensus. Not counted in ClinVar's aggregate classification.

Literature cited by the submitters: PubMed 29544503 (cited by Victorian Clinical Genetics Services, Murdoch Childrens Research Institute).